The following is an entry in ClinVar:

NM_000179.3(MSH6):c.2982C>G (p.Tyr994Ter)

Gene: MSH6 (mutS homolog 6; plus strand). Cytogenetic location: 2p16.3.
Variant type: single nucleotide variant.
Coding change: c.2982C>G on transcript NM_000179.3 (MANE Select); coding-DNA position 2982, C replaced by G.
Protein change: p.Tyr994Ter; replaces tyrosine 994 with a stop codon.
Molecular consequence: nonsense.
Genome position (GRCh38, 1-based): chr2:47,800,965, C>G. VCF-style: chr2-47800965-C-G. GRCh37 (hg19) VCF-style: chr2-48028104-C-G.
Other names: c.2592C>G, p.Tyr864Ter (NM_001281492.2); c.2076C>G, p.Tyr692Ter (NM_001281493.2, NM_001281494.2); short protein forms Y692*, Y994*, Y864*.
Identifiers: ClinVar variation 648945 (VCV000648945.13), dbSNP rs367758473, ClinGen allele CA346756362.

ClinVar aggregate classification (germline): Pathogenic. Review status: criteria provided, multiple submitters, no conflicts (2 of 4 stars). 3 submissions from 3 submitters: Pathogenic (3). Last evaluated 2025-01-12.

Conditions:
Lynch syndrome 5 (LYNCH5). Also called: Colorectal cancer, hereditary nonpolyposis, type 5; Hereditary non-polyposis colorectal cancer, type 5. Identifiers: Orphanet 144, MedGen C1833477, MONDO:0013710, OMIM 614350. Disease mechanism: loss of function.
Hereditary nonpolyposis colorectal neoplasms. Identifiers: MedGen C0009405, MeSH D003123.
Hereditary cancer-predisposing syndrome. Also called: Neoplastic Syndromes, Hereditary; Tumor predisposition; Hereditary Cancer Syndrome; Hereditary neoplastic syndrome. Identifiers: Orphanet 140162, MedGen C0027672, MeSH D009386, MONDO:0015356.

gnomAD v4.1: 1 of 1,563,280 alleles (0.000064%); highest among the groups gnomAD compares: Non-Finnish European, 0.000086%; no homozygotes.

Submissions (3):

Ambry Genetics
Classification: Pathogenic for Hereditary cancer-predisposing syndrome. Last evaluated: 2025-01-12. Review status: criteria provided, single submitter. Criteria: Ambry Variant Classification Scheme 2023. Collection method: clinical testing. Allele origin: germline.
Comment: The p.Y994* pathogenic mutation (also known as c.2982C>G), located in coding exon 4 of the MSH6 gene, results from a C to G substitution at nucleotide position 2982. This changes the amino acid from a tyrosine to a stop codon within coding exon 4. This mutation was detected in a cohort of 8085 consecutive unselected Chinese breast cancer patients who underwent multi-gene panel testing. (Sun J et al. Clin Cancer Res, 2017 Oct;23:6113-6119). Another alteration at this same nucleotide position (c.2982C>A) leading to same premature stop codon (p.Y994*) was detected in patient with hereditary nonpolyposis colorectal cancer (HNPCC) whose tumor showed loss of MSH6 on immunohistochemistry (IHC) (Okkels H et al. Appl Immunohistochem Mol Morphol, 2012 Oct;20:470-7). This variant is considered to be rare based on population cohorts in the Genome Aggregation Database (gnomAD). In addition to the clinical data presented in the literature, this alteration is expected to result in loss of function by premature protein truncation or nonsense-mediated mRNA decay. As such, this alteration is interpreted as a disease-causing mutation.

Myriad Genetics, Inc.
Classification: Pathogenic for Lynch syndrome 5. Last evaluated: 2023-08-21. Review status: criteria provided, single submitter. Criteria: Myriad Autosomal Dominant, Autosomal Recessive and X-Linked Classification Criteria (2023). Collection method: clinical testing. Allele origin: unknown.
Comment: This variant is considered pathogenic. This variant creates a termination codon and is predicted to result in premature protein truncation.

Labcorp Genetics (formerly Invitae), Labcorp
Classification: Pathogenic for Hereditary nonpolyposis colorectal neoplasms. Last evaluated: 2018-12-15. Review status: criteria provided, single submitter. Criteria: Invitae Variant Classification Sherloc (09022015). Collection method: clinical testing. Allele origin: germline.
Comment: This sequence change creates a premature translational stop signal (p.Tyr994*) in the MSH6 gene. It is expected to result in an absent or disrupted protein product. This variant is not present in population databases (ExAC no frequency). This variant has been reported in individual(s) affected with breast cancer (PMID: 28724667) Loss-of-function variants in MSH6 are known to be pathogenic (PMID: 18269114, 24362816). For these reasons, this variant has been classified as Pathogenic.

Literature cited by the submitters: PubMed 22495361 (cited by Ambry Genetics); PubMed 28724667 (cited by Ambry Genetics and Labcorp Genetics (formerly Invitae), Labcorp); PubMed 18269114 (cited by Labcorp Genetics (formerly Invitae), Labcorp); PubMed 24362816 (cited by Labcorp Genetics (formerly Invitae), Labcorp).